The following is an entry in ClinVar:

NM_033026.6(PCLO):c.12598A>G (p.Met4200Val)

Gene: PCLO (piccolo presynaptic cytomatrix protein; minus strand). Cytogenetic location: 7q21.11.
Variant type: single nucleotide variant.
Coding change: c.12598A>G on transcript NM_033026.6 (MANE Select); coding-DNA position 12598, A replaced by G.
Protein change: p.Met4200Val; replaces methionine 4200 with valine.
Molecular consequence: missense variant.
Genome position (GRCh38, 1-based): chr7:82,915,388, T>C on the plus strand (A>G on the coding strand, the complement: PCLO is on the minus strand). VCF-style: chr7-82915388-T-C. GRCh37 (hg19) VCF-style: chr7-82544704-T-C.
Other names: c.12598A>G, p.Met4200Val (NM_014510.3); short protein forms M4200V.
Identifiers: ClinVar variation 1486760 (VCV001486760.5), dbSNP rs372391491, ClinGen allele CA4319344.

ClinVar aggregate classification (germline): Uncertain significance (1 of 4 stars; one submission).

Allele frequency attached by ClinVar (database versions not stated): gnomAD 0.00001 and 0.00002; gnomAD exomes 0.00001; TOPMed 0.00001; ExAC 0.00002; ESP Exome Variant Server 0.00008.
gnomAD v4.1: 6 of 1,613,410 alleles (0.00037%); highest among the groups gnomAD compares: African/African-American, 0.0027%; no homozygotes.

Submission:

Labcorp Genetics (formerly Invitae), Labcorp
Classification: Uncertain significance. Last evaluated: 2022-08-23. Review status: criteria provided, single submitter. Criteria: Invitae Variant Classification Sherloc (09022015). Collection method: clinical testing. Allele origin: germline.
Comment: This sequence change replaces methionine, which is neutral and non-polar, with valine, which is neutral and non-polar, at codon 4200 of the PCLO protein (p.Met4200Val). This variant is present in population databases (rs372391491, gnomAD 0.008%). This variant has not been reported in the literature in individuals affected with PCLO-related conditions. ClinVar contains an entry for this variant (Variation ID: 1486760). Algorithms developed to predict the effect of missense changes on protein structure and function output the following: SIFT: "Tolerated"; PolyPhen-2: "Not Available"; Align-GVGD: "Class C0". The valine amino acid residue is found in multiple mammalian species, which suggests that this missense change does not adversely affect protein function. Algorithms developed to predict the effect of sequence changes on RNA splicing suggest that this variant may create or strengthen a splice site. In summary, the available evidence is currently insufficient to determine the role of this variant in disease. Therefore, it has been classified as a Variant of Uncertain Significance.